The following is an entry in ClinVar:

NM_006059.4(LAMC3):c.4569G>A (p.Gly1523=)

Gene: LAMC3 (laminin subunit gamma 3; plus strand). Cytogenetic location: 9q34.12.
Variant type: single nucleotide variant.
Coding change: c.4569G>A on transcript NM_006059.4 (MANE Select); coding-DNA position 4569, G replaced by A.
Protein change: p.Gly1523=; no amino-acid change (glycine 1523 retained).
Molecular consequence: synonymous variant.
Genome position (GRCh38, 1-based): chr9:131,091,628, G>A. VCF-style: chr9-131091628-G-A. GRCh37 (hg19) VCF-style: chr9-133967015-G-A.
Identifiers: ClinVar variation 718495 (VCV000718495.11), dbSNP rs774574466, ClinGen allele CA5288222.

ClinVar aggregate classification (germline): Likely benign. Review status: criteria provided, multiple submitters, no conflicts (2 of 4 stars). 3 submissions from 3 submitters: Likely benign (2). 1 of the submissions does not count toward it. Last evaluated 2026-08-01.

Conditions:
LAMC3-related disorder. Also called: LAMC3-related condition.

Allele frequency attached by ClinVar (database versions not stated): gnomAD 0.00006; gnomAD exomes 0.00008 and 0.00009; ExAC 0.00009; TOPMed 0.00009.
gnomAD v4.1: 141 of 1,599,522 alleles (0.0088%); highest among the groups gnomAD compares: Middle Eastern, 0.033%; no homozygotes.

Submissions (3):

CeGaT Center for Human Genetics Tuebingen
Classification: Likely benign. Last evaluated: 2026-08-01. Review status: criteria provided, single submitter. Criteria: CeGaT Center For Human Genetics Tuebingen Variant Classification Criteria Version 2. Collection method: clinical testing. Allele origin: germline. Affected: yes. Observed: 1 variant allele.
Comment: LAMC3: BP4, BP7

Labcorp Genetics (formerly Invitae), Labcorp
Classification: Likely benign. Last evaluated: 2025-04-01. Review status: criteria provided, single submitter. Criteria: Invitae Variant Classification Sherloc (09022015). Collection method: clinical testing. Allele origin: germline.

PreventionGenetics, part of Exact Sciences
Classification: Likely benign for LAMC3-related condition. Last evaluated: 2021-08-09. Review status: no assertion criteria provided. Collection method: clinical testing. Allele origin: germline. Not counted in ClinVar's aggregate classification.
Comment: This variant is classified as likely benign based on ACMG/AMP sequence variant interpretation guidelines (Richards et al. 2015 PMID: 25741868, with internal and published modifications).